The following is an entry in ClinVar:

ClinVar aggregate classification (germline): Pathogenic (1 of 4 stars; one submission).

Conditions:
Retinal disorder. Also called: Retinopathy; Retinopathies; Retinal Diseases; Retinal disorders. Identifiers: MedGen C0035309, MONDO:0005283, HP:0000488.

Submission:

North West Genomic Laboratory Hub, Manchester University NHS Foundation Trust
Classification: Pathogenic for Retinal disorders. Last evaluated: 2025-12-30. Review status: criteria provided, single submitter. Criteria: ACGS Best Practice Guidelines for Variant Classification in Rare Disease 2024. Collection method: clinical testing. Allele origin: germline. Affected: yes.
Comment: PS2_Mod PVS1_VStr PM2_Mod PP4_Supp

NM_001378477.3(NYX):c.114_139del (p.Cys39fs)

Gene: NYX (nyctalopin; plus strand). Cytogenetic location: Xp11.4.
Variant type: Deletion.
Coding change: c.114_139del on transcript NM_001378477.3 (MANE Select); coding-DNA positions 114 to 139, 26 bases deleted (CTGCTCGGTGCGCTGCGACCGCGCGG).
Protein change: p.Cys39fs; shifts the reading frame from cysteine 39.
Molecular consequence: frameshift variant.
Genome position (GRCh38, 1-based): chrX:41,473,582-41,473,607, CTGCTCGGTGCGCTGCGACCGCGCGG deleted; deleting any 26 consecutive bases within chrX:41,473,576-41,473,607 gives the same sequence; the c. name uses the placement nearest the transcript's 3' end. VCF-style (leftmost placement, unchanged base first): chrX-41473575-AGCGCGGCTGCTCGGTGCGCTGCGACC-A. GRCh37 (hg19) VCF-style: chrX-41332828-AGCGCGGCTGCTCGGTGCGCTGCGACC-A.
Other names: c.114_139del, p.Cys39fs (NM_022567.3); short protein forms C39fs.
Identifiers: ClinVar variation 4891526 (VCV004891526.1).